The following is an entry in ClinVar:

NM_014908.4(DOLK):c.453C>T (p.Ile151=)

Gene: DOLK (dolichol kinase; minus strand). Cytogenetic location: 9q34.11.
Variant type: single nucleotide variant.
Coding change: c.453C>T on transcript NM_014908.4 (MANE Select); coding-DNA position 453, C replaced by T.
Protein change: p.Ile151=; no amino-acid change (isoleucine 151 retained).
Molecular consequence: synonymous variant.
Genome position (GRCh38, 1-based): chr9:128,946,851, G>A on the plus strand (C>T on the coding strand, the complement: DOLK is on the minus strand). VCF-style: chr9-128946851-G-A. GRCh37 (hg19) VCF-style: chr9-131709130-G-A.
Identifiers: ClinVar variation 1529181 (VCV001529181.12), dbSNP rs1249767230, ClinGen allele CA467490979.

ClinVar aggregate classification (germline): Likely benign. Review status: criteria provided, multiple submitters, no conflicts (2 of 4 stars). 3 submissions from 3 submitters: Likely benign (2). 1 of the submissions does not count toward it. Last evaluated 2026-01-05.

Conditions:
DK1-congenital disorder of glycosylation. Also called: CDG Im; DK1 DEFICIENCY; DOLICHOL KINASE DEFICIENCY; DOLK-congenital disorder of glycosylation; Carbohydrate deficient glycoprotein syndrome type 1m; CONGENITAL DISORDER OF GLYCOSYLATION, TYPE Im. Identifiers: Orphanet 91131, MedGen C1835849, MONDO:0012556, OMIM 610768.
Cardiovascular phenotype. Identifiers: MedGen CN230736.
DOLK-related disorder. Also called: DOLK-related condition.

Allele frequency attached by ClinVar (database versions not stated): gnomAD exomes below 0.00001; TOPMed below 0.00001; gnomAD 0.00001.

Submissions (3):

Labcorp Genetics (formerly Invitae), Labcorp
Classification: Likely benign for DK1-congenital disorder of glycosylation. Last evaluated: 2026-01-05. Review status: criteria provided, single submitter. Criteria: Invitae Variant Classification Sherloc (09022015). Collection method: clinical testing. Allele origin: germline.

Ambry Genetics
Classification: Likely benign for Cardiovascular phenotype. Last evaluated: 2022-03-09. Review status: criteria provided, single submitter. Criteria: Ambry Variant Classification Scheme 2023. Collection method: clinical testing. Allele origin: germline.

PreventionGenetics, part of Exact Sciences
Classification: Likely benign for DOLK-related condition. Last evaluated: 2019-08-09. Review status: no assertion criteria provided. Collection method: clinical testing. Allele origin: germline. Not counted in ClinVar's aggregate classification.
Comment: This variant is classified as likely benign based on ACMG/AMP sequence variant interpretation guidelines (Richards et al. 2015 PMID: 25741868, with internal and published modifications).